The following is an entry in ClinVar:

NM_001018115.3(FANCD2):c.455C>A (p.Thr152Asn)

Genes: FANCD2 (FA complementation group D2; plus strand), LOC107303338 (3p25 FANCD2 Alu-mediated recombination region; plus strand). Cytogenetic location: 3p25.3.
Variant type: single nucleotide variant.
Coding change: c.455C>A on transcript NM_001018115.3 (MANE Select); coding-DNA position 455, C replaced by A.
Protein change: p.Thr152Asn; replaces threonine 152 with asparagine.
Molecular consequence: missense variant.
Genome position (GRCh38, 1-based): chr3:10,036,303, C>A. VCF-style: chr3-10036303-C-A. GRCh37 (hg19) VCF-style: chr3-10077987-C-A.
Other names: c.455C>A, p.Thr152Asn (NM_001319984.2, NM_001374253.1, NM_001374254.1 and 2 more transcripts); short protein forms T152N.
Identifiers: ClinVar variation 1002896 (VCV001002896.8), dbSNP rs150444770, ClinGen allele CA2249225.

ClinVar aggregate classification (germline): Uncertain significance (1 of 4 stars; one submission).

Conditions:
Fanconi anemia (FA). Also called: Fanconi's anemia. Identifiers: Orphanet 84, MedGen C0015625, MeSH D005199, MONDO:0019391.

Allele frequency attached by ClinVar (database versions not stated): TOPMed 0.00002.
gnomAD v4.1: 3 of 1,612,712 alleles (0.00019%); highest among the groups gnomAD compares: East Asian, 0.0067%; no homozygotes.

Submission:

Labcorp Genetics (formerly Invitae), Labcorp
Classification: Uncertain significance for Fanconi anemia. Last evaluated: 2025-12-23. Review status: criteria provided, single submitter. Criteria: Invitae Variant Classification Sherloc (09022015). Collection method: clinical testing. Allele origin: germline.
Comment: This sequence change replaces threonine, which is neutral and polar, with asparagine, which is neutral and polar, at codon 152 of the FANCD2 protein (p.Thr152Asn). This variant is present in population databases (rs150444770, gnomAD 0.01%). This variant has not been reported in the literature in individuals affected with FANCD2-related conditions. ClinVar contains an entry for this variant (Variation ID: 1002896). Invitae Evidence Modeling of protein sequence and biophysical properties (such as structural, functional, and spatial information, amino acid conservation, physicochemical variation, residue mobility, and thermodynamic stability) indicates that this missense variant is not expected to disrupt FANCD2 protein function with a negative predictive value of 80%. In summary, the available evidence is currently insufficient to determine the role of this variant in disease. Therefore, it has been classified as a Variant of Uncertain Significance.